The following is an entry in ClinVar:

NM_053025.4(MYLK):c.1865C>G (p.Ala622Gly)

Gene: MYLK (myosin light chain kinase; minus strand). Cytogenetic location: 3q21.1.
Variant type: single nucleotide variant.
Coding change: c.1865C>G on transcript NM_053025.4 (MANE Select); coding-DNA position 1865, C replaced by G.
Protein change: p.Ala622Gly; replaces alanine 622 with glycine.
Molecular consequence: missense variant.
Genome position (GRCh38, 1-based): chr3:123,709,833, G>C on the plus strand (C>G on the coding strand, the complement: MYLK is on the minus strand). VCF-style: chr3-123709833-G-C. GRCh37 (hg19) VCF-style: chr3-123428680-G-C.
Other names: c.1337C>G, p.Ala446Gly (NM_001321309.2); c.1658C>G, p.Ala553Gly (NM_053026.4, NM_053028.4); c.1865C>G, p.Ala622Gly (NM_053027.4); short protein forms A553G, A446G, A622G.
Identifiers: ClinVar variation 663860 (VCV000663860.12), dbSNP rs748628438, ClinGen allele CA067710.

ClinVar aggregate classification (germline): Uncertain significance. Review status: criteria provided, multiple submitters, no conflicts (2 of 4 stars). 2 submissions from 2 submitters: Uncertain significance (2). Last evaluated 2025-05-21.

Conditions:
Familial thoracic aortic aneurysm and aortic dissection (TAAD). Also called: Thoracic aortic aneurysms and dissections. Identifiers: Orphanet 91387, MedGen C4707243, MONDO:0019625.
Aortic aneurysm, familial thoracic 7 (AAT7). Also called: AORTIC DISSECTION, FAMILIAL, WITH OR WITHOUT AORTIC ANEURYSM. Identifiers: MedGen C3151077, MONDO:0013418, OMIM 613780.

Allele frequency attached by ClinVar (database versions not stated): gnomAD 0.00001.
gnomAD v4.1: 16 of 1,614,104 alleles (0.00099%); highest among the groups gnomAD compares: Non-Finnish European, 0.00059%; no homozygotes.

Submissions (2):

Labcorp Genetics (formerly Invitae), Labcorp
Classification: Uncertain significance for Aortic aneurysm, familial thoracic 7. Last evaluated: 2025-05-21. Review status: criteria provided, single submitter. Criteria: Invitae Variant Classification Sherloc (09022015). Collection method: clinical testing. Allele origin: germline.
Comment: This sequence change replaces alanine, which is neutral and non-polar, with glycine, which is neutral and non-polar, at codon 622 of the MYLK protein (p.Ala622Gly). This variant is present in population databases (rs748628438, gnomAD 0.02%). This variant has not been reported in the literature in individuals affected with MYLK-related conditions. ClinVar contains an entry for this variant (Variation ID: 663860). Invitae Evidence Modeling of protein sequence and biophysical properties (such as structural, functional, and spatial information, amino acid conservation, physicochemical variation, residue mobility, and thermodynamic stability) indicates that this missense variant is not expected to disrupt MYLK protein function with a negative predictive value of 80%. In summary, the available evidence is currently insufficient to determine the role of this variant in disease. Therefore, it has been classified as a Variant of Uncertain Significance.

Ambry Genetics
Classification: Uncertain significance for Familial thoracic aortic aneurysm and aortic dissection. Last evaluated: 2022-06-30. Review status: criteria provided, single submitter. Criteria: Ambry Variant Classification Scheme 2023. Collection method: clinical testing. Allele origin: germline.
Comment: The p.A622G variant (also known as c.1865C>G), located in coding exon 11 of the MYLK gene, results from a C to G substitution at nucleotide position 1865. The alanine at codon 622 is replaced by glycine, an amino acid with similar properties. This amino acid position is well conserved in available vertebrate species. In addition, this alteration is predicted to be tolerated by in silico analysis. Since supporting evidence is limited at this time, the clinical significance of this alteration remains unclear.